The following is an entry in ClinVar:

ClinVar aggregate classification (germline): Uncertain significance. Review status: criteria provided, multiple submitters, no conflicts (2 of 4 stars). 2 submissions from 2 submitters: Uncertain significance (2). Last evaluated 2024-03-01.

Conditions:
Cardiomyopathy (CMYO). Also called: Cardiomyopathies. Identifiers: Orphanet 167848, MedGen C0878544, MONDO:0004994, HP:0001638. Inheritance: Various modes of inheritance.
Hypertrophic cardiomyopathy. Also called: HYPERTROPHIC MYOCARDIOPATHY. Identifiers: Orphanet 217569, MedGen C0007194, MeSH D002312, MONDO:0005045, HP:0001639.

Allele frequency attached by ClinVar (database versions not stated): gnomAD exomes below 0.00001.
gnomAD v4.1: 2 of 1,613,728 alleles (0.00012%); highest among the groups gnomAD compares: Non-Finnish European, 0.00017%; no homozygotes.

Submissions (2):

Labcorp Genetics (formerly Invitae), Labcorp
Classification: Uncertain significance for Hypertrophic cardiomyopathy. Last evaluated: 2024-03-01. Review status: criteria provided, single submitter. Criteria: Invitae Variant Classification Sherloc (09022015). Collection method: clinical testing. Allele origin: germline.
Comment: This sequence change replaces isoleucine, which is neutral and non-polar, with methionine, which is neutral and non-polar, at codon 1452 of the MYH7 protein (p.Ile1452Met). This variant is not present in population databases (gnomAD no frequency). This variant has not been reported in the literature in individuals affected with MYH7-related conditions. An algorithm developed to predict the effect of missense changes on protein structure and function (PolyPhen-2) suggests that this variant is likely to be disruptive. In summary, the available evidence is currently insufficient to determine the role of this variant in disease. Therefore, it has been classified as a Variant of Uncertain Significance.

All of Us Research Program, National Institutes of Health
Classification: Uncertain significance for Cardiomyopathy. Last evaluated: 2023-11-02. Review status: criteria provided, single submitter. Criteria: ACMG Guidelines, 2015. Collection method: clinical testing. Allele origin: germline. Inheritance: Autosomal dominant inheritance. Observed: 1 variant allele, 1 heterozygote.
Comment: This missense variant replaces isoleucine with methionine at codon 1452 of the MYH7 protein. Computational prediction suggests that this variant may not impact protein structure and function (internally defined REVEL score threshold <= 0.5, PMID: 27666373). To our knowledge, functional studies have not been reported for this variant. This variant has not been reported in individuals affected with MYH7-related disorders in the literature. This variant has not been identified in the general population by the Genome Aggregation Database (gnomAD). The available evidence is insufficient to determine the role of this variant in disease conclusively. Therefore, this variant is classified as a Variant of Uncertain Significance.

This study involves interpretation of variants in research participants for the purpose of population health screening. Participant phenotype was not available at the time of variant classification. Additional details can be found in publication PMID: 35346344, PMCID: PMC8962531

NM_000257.4(MYH7):c.4356C>G (p.Ile1452Met)

Genes: MHRT (myosin heavy chain associated RNA transcript; plus strand), MYH7 (myosin heavy chain 7; minus strand). Cytogenetic location: 14q11.2.
Variant type: single nucleotide variant.
Coding change: c.4356C>G on transcript NM_000257.4 (MANE Select); coding-DNA position 4356, C replaced by G.
Protein change: p.Ile1452Met; replaces isoleucine 1452 with methionine.
Molecular consequence: missense variant. On other transcripts: non-coding transcript variant (1).
Genome position (GRCh38, 1-based): chr14:23,417,316, G>C on the plus strand (C>G on the coding strand, the complement: MYH7 is on the minus strand). VCF-style: chr14-23417316-G-C. GRCh37 (hg19) VCF-style: chr14-23886525-G-C.
Other names: c.4356C>G, p.Ile1452Met (NM_001407004.1); short protein forms I1452M.
Identifiers: ClinVar variation 3074372 (VCV003074372.3), dbSNP rs1892260368, ClinGen allele CA389038940.